The following is an entry in ClinVar:

ClinVar aggregate classification (germline): Pathogenic. Review status: reviewed by expert panel (3 of 4 stars). 11 submissions from 11 submitters: Pathogenic (1). 10 of the submissions do not count toward it. Last evaluated 2024-09-11.

Conditions:
Hereditary hemorrhagic telangiectasia (HHT). Also called: Osler hemorrhagic telangiectasia syndrome; ORW DISEASE; Osler Weber Rendu syndrome; OSLER-RENDU-WEBER DISEASE. Identifiers: Orphanet 774, MedGen C0039445, MONDO:0019180. Disease mechanism: loss of function.
ENG-related disorder. Also called: ENG-related disorders; ENG-related condition.
Cardiovascular phenotype. Identifiers: MedGen CN230736.
Telangiectasia, hereditary hemorrhagic, type 1 (HHT1). Also called: Osler Weber Rendu syndrome type 1; ENG-Related Hereditary Hemorrhagic Telangiectasia. Identifiers: Orphanet 774, MedGen C4551861, MONDO:0008535, OMIM 187300. Disease mechanism: loss of function.

Allele frequency attached by ClinVar (database versions not stated): gnomAD exomes below 0.00001; TOPMed 0.00001.
gnomAD v4.1: 3 of 1,614,162 alleles (0.00019%); highest among the groups gnomAD compares: African/African-American, 0.0013%; no homozygotes.

Submissions (11):

ClinGen Hereditary Hemorrhagic Telangiectasia Variant Curation Expert Panel, ClinGen
Classification: Pathogenic for Telangiectasia, hereditary hemorrhagic, type 1. Last evaluated: 2024-09-11. Review status: reviewed by expert panel. Criteria: ClinGen HHT ACMG Specifications ENG V1.1.0. Collection method: curation. Allele origin: germline. Inheritance: Autosomal dominant inheritance.
Comment: The NM_001114753.3: c.1586G>A variant in ENG is a missense variant predicted to cause substitution of arginine by histidine at amino acid 529 (p.Arg529His). This variant has been reported in more than 10 probands with a phenotype consistent with HHT (PS4; PMID: 22991266, 16752392, Internal lab contributors). At least one patient's phenotype meets Curacao Criteria for HHT, and sequencing and large deletion/duplication analysis was performed for ENG and ACVRL1, which is highly specific for HHT (PP4_Moderate; Internal lab contributors). The variant has been reported to segregate with HHT in more than 20 affected family members from multiple families (PP1_Strong; Internal lab contributors). The overall minor allele frequency in gnomAD v2.1.1 is 0.000004 (1/251282 alleles), which is lower than the ClinGen Hereditary Hemorrhagic Telangiectasia VCEP threshold (<6 total alleles) for PM2_Supporting, meeting this criterion (PM2_Supporting). The computational predictor REVEL gives a score of 0.579, which is neither above nor below the thresholds predicting a damaging or benign impact on ENG function. In summary, this variant meets the criteria to be classified as pathogenic for autosomal dominant hereditary hemorrhagic telangiectasia based on the ACMG/AMP criteria applied, as specified by the ClinGen Hereditary Hemorrhagic Telangiectasia Variant Curation Expert Panel: PM2_Supporting, PS4, PP4_Moderate, PP1_Strong (specifications version 1.1.0; 09/11/2024).

GeneDx
Classification: Likely pathogenic. Last evaluated: 2026-08-05. Review status: criteria provided, single submitter. Criteria: GeneDx Variant Classification Process June 2021. Collection method: clinical testing. Allele origin: germline. Not counted in ClinVar's aggregate classification.
Comment: Not observed at significant frequency in large population cohorts (gnomAD); In silico analysis supports that this missense variant has a deleterious effect on protein structure/function; This variant is associated with the following publications: (PMID: 22991266, 17384219, 21158752, 20414677, 32300199, 16752392, 18495117)

Labcorp Genetics (formerly Invitae), Labcorp
Classification: Pathogenic for Hereditary hemorrhagic telangiectasia. Last evaluated: 2025-11-25. Review status: criteria provided, single submitter. Criteria: Invitae Variant Classification Sherloc (09022015). Collection method: clinical testing. Allele origin: germline. Not counted in ClinVar's aggregate classification.
Comment: This sequence change replaces arginine, which is basic and polar, with histidine, which is basic and polar, at codon 529 of the ENG protein (p.Arg529His). This variant is present in population databases (no rsID available, gnomAD 0.007%). This missense change has been observed in individuals with hereditary hemorrhagic telangiectasia (PMID: 16752392, 17384219, 18495117, 22991266; internal data). ClinVar contains an entry for this variant (Variation ID: 213212). Invitae Evidence Modeling of protein sequence and biophysical properties (such as structural, functional, and spatial information, amino acid conservation, physicochemical variation, residue mobility, and thermodynamic stability) indicates that this missense variant is expected to disrupt ENG protein function with a positive predictive value of 80%. This variant disrupts the p.Arg529 amino acid residue in ENG. Other variant(s) that disrupt this residue have been observed in individuals with ENG-related conditions (PMID: 20414677), which suggests that this may be a clinically significant amino acid residue. For these reasons, this variant has been classified as Pathogenic.

Institute of Human Genetics, University of Leipzig Medical Center
Classification: Pathogenic for Telangiectasia, hereditary hemorrhagic, type 1. Last evaluated: 2025-10-22. Review status: criteria provided, single submitter. Criteria: ACMG Guidelines, 2015. Collection method: clinical testing. Allele origin: unknown. Inheritance: Autosomal dominant inheritance. Affected: yes. Not counted in ClinVar's aggregate classification.
Comment: Criteria applied: PS4,PP1_STR,PP4_MOD,PM2_SUP

Clinical Genomics Laboratory, Washington University in St. Louis
Classification: Likely pathogenic for Telangiectasia, hereditary hemorrhagic, type 1. Last evaluated: 2025-03-26. Review status: criteria provided, single submitter. Criteria: ACMG Guidelines, 2015. Collection method: clinical testing. Allele origin: germline. Affected: yes. Not counted in ClinVar's aggregate classification.
Comment: The ENG c.1586G>A (p.Arg529His) variant has been reported in at least seven individuals affected by hereditary hemorrhagic telangiectasia (HHT) and is reported to segregate with the disease in three individuals from one family (Bayrak-Toydemir P et al., PMID: 18495117; Bossler AD et al., PMID: 16752392; Gedge F et al., PMID: 17384219; Nishida T et al., PMID: 22991266). This variant has been reported in the ClinVar database as a pathogenic variant by five submitters and as a likely pathogenic variant by four submitters (Variation ID: 213212). It has been classified as pathogenic by an expert panel in the ClinVar database. This variant is observed in only 1 out of 251,282 alleles in the general population (gnomAD v.2.1.1), indicating it is not a common variant. Computational predictors are uncertain about the impact of this variant on ENG function. Based on available information and the ACMG/AMP guidelines for variant interpretation (Richards S et al., PMID: 25741868), this variant is classified as likely pathogenic.

ARUP Laboratories, Molecular Genetics and Genomics, ARUP Laboratories
Classification: Pathogenic for Telangiectasia, hereditary hemorrhagic, type 1. Last evaluated: 2025-03-04. Review status: criteria provided, single submitter. Criteria: ARUP Molecular Germline Variant Investigation Process 2024. Collection method: clinical testing. Allele origin: germline. Not counted in ClinVar's aggregate classification.
Comment: The ENG c.1586G>A; p.Arg529His variant (rs863223538, ClinVar Variation ID: 213212) is reported in the literature in multiple individuals affected with hereditary hemorrhagic telangiectasia and has been observed to segregate with disease in affected relatives (Bayrak-Toydemir 2008, Bossler 2006, Gedge 2007, McDonald 2020, Nishida 2012). This variant is only observed on one allele in the Genome Aggregation Database (v2.1.1), indicating it is not a common polymorphism. Computational analyses are uncertain whether this variant is neutral or deleterious (REVEL: 0.579). Based on available information, this variant is considered to be pathogenic. References: Bayrak-Toydemir P et al. Likelihood ratios to assess genetic evidence for clinical significance of uncertain variants: hereditary hemorrhagic telangiectasia as a model. Exp Mol Pathol. 2008 Aug;85(1):45-9. PMID: 18495117. Bossler AD et al. Novel mutations in ENG and ACVRL1 identified in a series of 200 individuals undergoing clinical genetic testing for hereditary hemorrhagic telangiectasia (HHT): correlation of genotype with phenotype. Hum Mutat. 2006 Jul;27(7):667-75. PMID: 16752392. Gedge F et al. Clinical and analytical sensitivities in hereditary hemorrhagic telangiectasia testing and a report of de novo mutations. J Mol Diagn. 2007 Apr;9(2):258-65. PMID: 17384219. McDonald J et al. CuraÃ§ao diagnostic criteria for hereditary hemorrhagic telangiectasia is highly predictive of a pathogenic variant in ENG or ACVRL1 (HHT1 and HHT2). Genet Med. 2020 Jul;22(7):1201-1205. PMID: 32300199. Nishida T et al. Brain arteriovenous malformations associated with hereditary hemorrhagic telangiectasia: gene-phenotype correlations. Am J Med Genet A. 2012 Nov;158A(11):2829-34. PMID: 22991266.

Blueprint Genetics
Classification: Likely pathogenic for ENG-related disorders. Last evaluated: 2024-11-21. Review status: criteria provided, single submitter. Criteria: ACMG Guidelines, 2015. Collection method: clinical testing. Allele origin: germline. Affected: yes. Observed: 2 variant alleles. Not counted in ClinVar's aggregate classification.

Ambry Genetics
Classification: Pathogenic for Cardiovascular phenotype. Last evaluated: 2024-07-30. Review status: criteria provided, single submitter. Criteria: Ambry Variant Classification Scheme 2023. Collection method: clinical testing. Allele origin: germline. Not counted in ClinVar's aggregate classification.
Comment: The p.R529H pathogenic mutation (also known as c.1586G>A), located in coding exon 12 of the ENG gene, results from a G to A substitution at nucleotide position 1586. The arginine at codon 529 is replaced by histidine, an amino acid with highly similar properties. This mutation has been observed in multiple individuals with a clinical diagnosis of hereditary hemorrhagic telangiectasia, including four affected individuals in one family (Bossler AD et al. Hum. Mutat., 2006 Jul;27:667-75; Bayrak-Toydemir P et al. Exp. Mol. Pathol., 2008 Aug;85:45-9). This amino acid position is well conserved in available vertebrate species. In addition, this alteration is predicted to be deleterious by in silico analysis. Based on the supporting evidence, this variant is interpreted as a disease-causing mutation.

Greenwood Genetic Center Diagnostic Laboratories, Greenwood Genetic Center
Classification: Likely pathogenic for Telangiectasia, hereditary hemorrhagic, type 1. Last evaluated: 2022-12-09. Review status: criteria provided, single submitter. Criteria: ACMG Guidelines, 2015. Collection method: clinical testing. Allele origin: germline. Affected: yes. Not counted in ClinVar's aggregate classification.
Comment: PS3, PM1, PM2

Center of Genomic medicine, Geneva, University Hospital of Geneva
Classification: Likely pathogenic for Telangiectasia, hereditary hemorrhagic, type 1. Last evaluated: 2017-05-16. Review status: criteria provided, single submitter. Criteria: ACMG Guidelines, 2015. Collection method: clinical testing. Allele origin: germline. Affected: yes. Not counted in ClinVar's aggregate classification.

PreventionGenetics, part of Exact Sciences
Classification: Likely pathogenic for ENG-related condition. Last evaluated: 2024-01-31. Review status: no assertion criteria provided. Collection method: clinical testing. Allele origin: germline. Not counted in ClinVar's aggregate classification.
Comment: The ENG c.1586G>A variant is predicted to result in the amino acid substitution p.Arg529His. This variant has been reported in patients with hereditary hemorrhagic telangiectasia in at least two unrelated families (Bossler et al. 2006. PubMed ID: 16752392; Gedge et al. 2007. PubMed ID: 17384219; Supplemental Table, Nishida et al. 2012. PubMed ID: 22991266). This variant is reported in 0.0062% of alleles in individuals of African descent in gnomAD. This variant is interpreted as likely pathogenic.

Literature cited by the submitters: PubMed 16752392 (cited by Labcorp Genetics (formerly Invitae), Labcorp and Ambry Genetics); PubMed 17384219 (cited by Labcorp Genetics (formerly Invitae), Labcorp); PubMed 18495117 (cited by Labcorp Genetics (formerly Invitae), Labcorp and Ambry Genetics); PubMed 22991266 (cited by Labcorp Genetics (formerly Invitae), Labcorp); PubMed 20414677 (cited by Labcorp Genetics (formerly Invitae), Labcorp).

NM_001114753.3(ENG):c.1586G>A (p.Arg529His)

Genes: ENG (endoglin; minus strand), LOC102723566 (uncharacterized LOC102723566; plus strand). Cytogenetic location: 9q34.11.
Variant type: single nucleotide variant.
Coding change: c.1586G>A on transcript NM_001114753.3 (MANE Select); coding-DNA position 1586, G replaced by A.
Protein change: p.Arg529His; replaces arginine 529 with histidine.
Molecular consequence: missense variant.
Genome position (GRCh38, 1-based): chr9:127,818,220, C>T on the plus strand (G>A on the coding strand, the complement: ENG is on the minus strand). VCF-style: chr9-127818220-C-T. GRCh37 (hg19) VCF-style: chr9-130580499-C-T.
Other names: p.R529H:CGC>CAC; NM_001114753.3(ENG):c.1586G>A; c.1586G>A, p.Arg529His (NM_000118.4); c.1040G>A, p.Arg347His (NM_001278138.2); short protein forms R529H, R347H.
Identifiers: ClinVar variation 213212 (VCV000213212.41), dbSNP rs863223538, ClinGen allele CA321073.